The following is an entry in ClinVar:

ClinVar aggregate classification (germline): Uncertain significance. Review status: criteria provided, multiple submitters, no conflicts (2 of 4 stars). 2 submissions from 2 submitters: Uncertain significance (2). Last evaluated 2026-06-02.

Conditions:
Mitochondrial complex II deficiency, nuclear type 1. Also called: SUCCINATE CoQ REDUCTASE DEFICIENCY. Identifiers: Orphanet 3208, MedGen C5700310, MONDO:0100294, OMIM 252011.
Pheochromocytoma/paraganglioma syndrome 5. Also called: Paragangliomas 5; SDHA-Related Hereditary Paraganglioma-Pheochromocytoma Syndrome. Identifiers: Orphanet 29072, MedGen C3279992, MONDO:0013602, OMIM 614165.
Hereditary cancer-predisposing syndrome. Also called: Hereditary Cancer Syndrome; Neoplastic Syndromes, Hereditary; Tumor predisposition; Hereditary neoplastic syndrome. Identifiers: Orphanet 140162, MedGen C0027672, MeSH D009386, MONDO:0015356.

Submissions (2):

Ambry Genetics
Classification: Uncertain significance for Hereditary cancer-predisposing syndrome. Last evaluated: 2026-06-02. Review status: criteria provided, single submitter. Criteria: Ambry Variant Classification Scheme 2023. Collection method: clinical testing. Allele origin: germline.
Comment: The p.E440D variant (also known as c.1320G>C), located in coding exon 10 of the SDHA gene, results from a G to C substitution at nucleotide position 1320. The glutamic acid at codon 440 is replaced by aspartic acid, an amino acid with highly similar properties. This amino acid position is conserved. In addition, this alteration is predicted to be deleterious by in silico analysis. Based on the available evidence, the clinical significance of this variant remains unclear.

Labcorp Genetics (formerly Invitae), Labcorp
Classification: Uncertain significance for Pheochromocytoma/paraganglioma syndrome 5; Mitochondrial complex II deficiency, nuclear type 1. Last evaluated: 2022-04-15. Review status: criteria provided, single submitter. Criteria: Invitae Variant Classification Sherloc (09022015). Collection method: clinical testing. Allele origin: germline.
Comment: This variant has not been reported in the literature in individuals affected with SDHA-related conditions. Algorithms developed to predict the effect of missense changes on protein structure and function are either unavailable or do not agree on the potential impact of this missense change (SIFT: "Tolerated"; PolyPhen-2: "Probably Damaging"; Align-GVGD: "Class C0"). In summary, the available evidence is currently insufficient to determine the role of this variant in disease. Therefore, it has been classified as a Variant of Uncertain Significance. This variant is not present in population databases (gnomAD no frequency). This sequence change replaces glutamic acid, which is acidic and polar, with aspartic acid, which is acidic and polar, at codon 440 of the SDHA protein (p.Glu440Asp).

NM_004168.4(SDHA):c.1320G>C (p.Glu440Asp)

Gene: SDHA (succinate dehydrogenase complex flavoprotein subunit A; plus strand). Cytogenetic location: 5p15.33.
Variant type: single nucleotide variant.
Coding change: c.1320G>C on transcript NM_004168.4 (MANE Select); coding-DNA position 1320, G replaced by C.
Protein change: p.Glu440Asp; replaces glutamic acid 440 with aspartic acid.
Molecular consequence: missense variant.
Genome position (GRCh38, 1-based): chr5:236,487, G>C. VCF-style: chr5-236487-G-C. GRCh37 (hg19) VCF-style: chr5-236602-G-C.
Other names: c.1320G>C (NM_004168.2); c.1176G>C, p.Glu392Asp (NM_001294332.2); c.1320G>C, p.Glu440Asp (NM_001330758.2); short protein forms E392D, E440D.
Identifiers: ClinVar variation 2126180 (VCV002126180.5), dbSNP rs2126589773, ClinGen allele CA359013921.